The following is an entry in ClinVar:

ClinVar aggregate classification (germline): Uncertain significance (1 of 4 stars; one submission).

Submission:

Labcorp Genetics (formerly Invitae), Labcorp
Classification: Uncertain significance. Last evaluated: 2023-07-25. Review status: criteria provided, single submitter. Criteria: Invitae Variant Classification Sherloc (09022015). Collection method: clinical testing. Allele origin: germline.
Comment: This sequence change falls in intron 39 of the COL4A3 gene. It does not directly change the encoded amino acid sequence of the COL4A3 protein. It affects a nucleotide within the consensus splice site. This variant is not present in population databases (gnomAD no frequency). This variant has not been reported in the literature in individuals affected with COL4A3-related conditions. Variants that disrupt the consensus splice site are a relatively common cause of aberrant splicing (PMID: 17576681, 9536098). Algorithms developed to predict the effect of sequence changes on RNA splicing suggest that this variant is not likely to affect RNA splicing. In summary, the available evidence is currently insufficient to determine the role of this variant in disease. Therefore, it has been classified as a Variant of Uncertain Significance.

Literature cited by the submitters: PubMed 17576681; PubMed 9536098.

NM_000091.5(COL4A3):c.3418+6A>G

Genes: COL4A3 (collagen type IV alpha 3 chain; plus strand), MFF-DT (MFF divergent transcript; minus strand). Cytogenetic location: 2q36.3.
Variant type: single nucleotide variant.
Coding change: c.3418+6A>G on transcript NM_000091.5 (MANE Select); 6 bases into the intron after coding-DNA position 3418, A replaced by G.
Molecular consequence: intron variant.
Genome position (GRCh38, 1-based): chr2:227,294,576, A>G. VCF-style: chr2-227294576-A-G. GRCh37 (hg19) VCF-style: chr2-228159292-A-G.
Identifiers: ClinVar variation 2746256 (VCV002746256.3), dbSNP rs2469859830, ClinGen allele CA2697550558.